The following is an entry in ClinVar:

ClinVar aggregate classification (germline): Uncertain significance (1 of 4 stars; one submission).

Allele frequency attached by ClinVar (database versions not stated): TOPMed below 0.00001; gnomAD exomes 0.00001.
gnomAD v4.1: 3 of 1,614,154 alleles (0.00019%); highest among the groups gnomAD compares: Non-Finnish European, 0.000085%; no homozygotes.

Submission:

Labcorp Genetics (formerly Invitae), Labcorp
Classification: Uncertain significance. Last evaluated: 2022-08-23. Review status: criteria provided, single submitter. Criteria: Invitae Variant Classification Sherloc (09022015). Collection method: clinical testing. Allele origin: germline.
Comment: This sequence change replaces arginine, which is basic and polar, with glutamine, which is neutral and polar, at codon 174 of the NDUFV1 protein (p.Arg174Gln). This variant is not present in population databases (gnomAD no frequency). This variant has not been reported in the literature in individuals affected with NDUFV1-related conditions. ClinVar contains an entry for this variant (Variation ID: 1384342). Advanced modeling of protein sequence and biophysical properties (such as structural, functional, and spatial information, amino acid conservation, physicochemical variation, residue mobility, and thermodynamic stability) performed at Invitae indicates that this missense variant is not expected to disrupt NDUFV1 protein function. In summary, the available evidence is currently insufficient to determine the role of this variant in disease. Therefore, it has been classified as a Variant of Uncertain Significance.

NM_007103.4(NDUFV1):c.521G>A (p.Arg174Gln)

Gene: NDUFV1 (NADH:ubiquinone oxidoreductase core subunit V1; plus strand). Cytogenetic location: 11q13.2.
Variant type: single nucleotide variant.
Coding change: c.521G>A on transcript NM_007103.4 (MANE Select); coding-DNA position 521, G replaced by A.
Protein change: p.Arg174Gln; replaces arginine 174 with glutamine.
Molecular consequence: missense variant.
Genome position (GRCh38, 1-based): chr11:67,610,391, G>A. VCF-style: chr11-67610391-G-A. GRCh37 (hg19) VCF-style: chr11-67377862-G-A.
Other names: c.494G>A, p.Arg165Gln (NM_001166102.2); short protein forms R165Q, R174Q.
Identifiers: ClinVar variation 1384342 (VCV001384342.3), dbSNP rs1854889164, ClinGen allele CA381536439.